The following is an entry in ClinVar:

ClinVar aggregate classification (germline): Uncertain significance (1 of 4 stars; one submission).

Conditions:
Hereditary cancer-predisposing syndrome. Also called: Hereditary Cancer Syndrome; Hereditary neoplastic syndrome; Tumor predisposition; Neoplastic Syndromes, Hereditary. Identifiers: Orphanet 140162, MedGen C0027672, MeSH D009386, MONDO:0015356.

Submission:

Ambry Genetics
Classification: Uncertain significance for Hereditary cancer-predisposing syndrome. Last evaluated: 2021-12-11. Review status: criteria provided, single submitter. Criteria: Ambry Variant Classification Scheme 2023. Collection method: clinical testing. Allele origin: germline.
Comment: The p.Q3361H variant (also known as c.10083A>T), located in coding exon 26 of the BRCA2 gene, results from an A to T substitution at nucleotide position 10083. The glutamine at codon 3361 is replaced by histidine, an amino acid with highly similar properties. This amino acid position is conserved. In addition, this alteration is predicted to be tolerated by in silico analysis. Since supporting evidence is limited at this time, the clinical significance of this alteration remains unclear.

NM_000059.4(BRCA2):c.10083A>T (p.Gln3361His)

Gene: BRCA2 (BRCA2 DNA repair associated; plus strand). Cytogenetic location: 13q13.1.
Variant type: single nucleotide variant.
Coding change: c.10083A>T on transcript NM_000059.4 (MANE Select); coding-DNA position 10083, A replaced by T.
Protein change: p.Gln3361His; replaces glutamine 3361 with histidine.
Molecular consequence: missense variant.
Genome position (GRCh38, 1-based): chr13:32,398,596, A>T. VCF-style: chr13-32398596-A-T. GRCh37 (hg19) VCF-style: chr13-32972733-A-T.
Other names: c.9987A>T, p.Gln3329His (NM_001406719.1); c.10032A>T, p.Gln3344His (NM_001406720.1); c.5151A>T, p.Gln1717His (NM_001406721.1); c.3666A>T, p.Gln1222His (NM_001406722.1); short protein forms Q1222H, Q3361H, Q1717H, Q3329H, Q3344H.
Identifiers: ClinVar variation 1789141 (VCV001789141.2), dbSNP rs1593202272, ClinGen allele CA387767938.